The following is an entry in ClinVar:

ClinVar aggregate classification (germline): Pathogenic (1 of 4 stars; one submission).

Conditions:
Congenital lactic acidosis, Saguenay-Lac-Saint-Jean type (MC4DN5). Also called: MITOCHONDRIAL COMPLEX IV DEFICIENCY, NUCLEAR TYPE 5; CYTOCHROME c OXIDASE DEFICIENCY, FRENCH CANADIAN TYPE; COX DEFICIENCY, FRENCH CANADIAN TYPE. Identifiers: Orphanet 70472, MedGen C1857355, MONDO:0009069, OMIM 220111.

Submission:

Victorian Clinical Genetics Services, Murdoch Childrens Research Institute
Classification: Pathogenic for Congenital lactic acidosis, Saguenay-Lac-Saint-Jean type. Last evaluated: 2022-07-01. Review status: criteria provided, single submitter. Criteria: ACMG Guidelines, 2015. Collection method: clinical testing. Allele origin: paternal. Affected: yes.
Comment: - Intragenic copy number variant involving the deletion of exon 1 (of 38) which includes the canonical translation initiation codon (ATG). - Missense variants impacting the canonical translation initiation codon have strong previous evidence for pathogenicity (ClinVar). - Strong phenotype match for this individual. Additional information: - Loss of function is a known mechanism of disease in this gene and is associated with Leigh syndrome, French-Canadian type (MIM#220111). - This gene is associated with autosomal recessive disease. - This variant is heterozygous. - Variant is absent from gnomAD (SV v2). - This variant has no previous evidence of pathogenicity. - No published segregation evidence has been identified for this variant. - No published functional evidence has been identified for this variant.

NC_000002.12:g.43986415_44009956del

Gene: LRPPRC (leucine rich pentatricopeptide repeat containing; minus strand). Cytogenetic location: 2p21.
Variant type: Deletion.
Identifiers: ClinVar variation 2500756 (VCV002500756.1).